The following is an entry in ClinVar:

ClinVar aggregate classification (germline): Likely benign. Review status: criteria provided, multiple submitters, no conflicts (2 of 4 stars). 3 submissions from 3 submitters: Likely benign (3). Last evaluated 2026-05-01.

Conditions:
Aniridia 1 (AN1). Identifiers: Orphanet 250923, MedGen C0344542, MONDO:0024507, OMIM 106210.
Irido-corneo-trabecular dysgenesis (ASGD5). Also called: ANTERIOR SEGMENT DYSGENESIS 5. Identifiers: Orphanet 708, MedGen C0344559, MONDO:0011414, OMIM 604229, HP:0000659.

Allele frequency attached by ClinVar (database versions not stated): gnomAD 0.00001; ExAC 0.00002; gnomAD exomes 0.00004; TOPMed 0.00004.
gnomAD v4.1: 60 of 1,614,060 alleles (0.0037%); highest among the groups gnomAD compares: Middle Eastern, 0.25%; no homozygotes.

Submissions (3):

CeGaT Center for Human Genetics Tuebingen
Classification: Likely benign. Last evaluated: 2026-05-01. Review status: criteria provided, single submitter. Criteria: CeGaT Center For Human Genetics Tuebingen Variant Classification Criteria Version 2. Collection method: clinical testing. Allele origin: germline. Affected: yes. Observed: 2 variant alleles.
Comment: PAX6: BP4, BP7

Labcorp Genetics (formerly Invitae), Labcorp
Classification: Likely benign for Aniridia 1; Irido-corneo-trabecular dysgenesis. Last evaluated: 2025-09-25. Review status: criteria provided, single submitter. Criteria: Invitae Variant Classification Sherloc (09022015). Collection method: clinical testing. Allele origin: germline.

Blueprint Genetics
Classification: Likely benign. Last evaluated: 2024-09-25. Review status: criteria provided, single submitter. Criteria: ACMG Guidelines, 2015. Collection method: clinical testing. Allele origin: germline.

NM_001368894.2(PAX6):c.501C>T (p.Thr167=)

Gene: PAX6 (paired box 6; minus strand). Cytogenetic location: 11p13.
Variant type: single nucleotide variant.
Coding change: c.501C>T on transcript NM_001368894.2 (MANE Select); coding-DNA position 501, C replaced by T.
Protein change: p.Thr167=; no amino-acid change (threonine 167 retained).
Molecular consequence: synonymous variant. On other transcripts: non-coding transcript variant (2).
Genome position (GRCh38, 1-based): chr11:31,800,755, G>A on the plus strand (C>T on the coding strand, the complement: PAX6 is on the minus strand). VCF-style: chr11-31800755-G-A. GRCh37 (hg19) VCF-style: chr11-31822303-G-A.
Other names: c.459C>T, p.Thr153= (NM_000280.6, NM_001127612.3, NM_001258464.2 and 10 more transcripts); c.501C>T, p.Thr167= (NM_001258462.3, NM_001258463.2, NM_001310158.2 and 6 more transcripts); c.51C>T, p.Thr17= (NM_001310160.2, NM_001310161.3, NM_001368899.2 and 11 more transcripts); c.702C>T, p.Thr234= (NM_001368910.2); c.504C>T, p.Thr168= (NM_001368911.2); c.576C>T, p.Thr192= (NM_001368918.2, NM_001368919.2); c.534C>T, p.Thr178= (NM_001368920.2); c.300C>T, p.Thr100= (NM_001368921.2, NM_001368922.2, NM_001368923.2 and 4 more transcripts); and 1 more.
Identifiers: ClinVar variation 1100306 (VCV001100306.33), dbSNP rs201200280, ClinGen allele CA5933873.